The following is an entry in ClinVar:

ClinVar aggregate classification (germline): Uncertain significance (1 of 4 stars; one submission).

Conditions:
Hereditary cancer-predisposing syndrome. Also called: Neoplastic Syndromes, Hereditary; Tumor predisposition; Hereditary Cancer Syndrome; Hereditary neoplastic syndrome. Identifiers: Orphanet 140162, MedGen C0027672, MeSH D009386, MONDO:0015356.

Allele frequency attached by ClinVar (database versions not stated): gnomAD 0.00001; gnomAD exomes 0.00002; ExAC 0.00006.
gnomAD v4.1: 35 of 1,583,054 alleles (0.0022%); highest among the groups gnomAD compares: Non-Finnish European, 0.0029%; no homozygotes.

Submission:

Ambry Genetics
Classification: Uncertain significance for Hereditary cancer-predisposing syndrome. Last evaluated: 2022-04-04. Review status: criteria provided, single submitter. Criteria: Ambry Variant Classification Scheme 2023. Collection method: clinical testing. Allele origin: germline.
Comment: The p.L12V variant (also known as c.34C>G), located in coding exon 1 of the EPCAM gene, results from a C to G substitution at nucleotide position 34. The leucine at codon 12 is replaced by valine, an amino acid with highly similar properties. This amino acid position is conserved. In addition, this alteration is predicted to be tolerated by in silico analysis. Since supporting evidence is limited at this time, the clinical significance of this alteration remains unclear.

NM_002354.3(EPCAM):c.34C>G (p.Leu12Val)

Gene: EPCAM (epithelial cell adhesion molecule; plus strand). Cytogenetic location: 2p21.
Variant type: single nucleotide variant.
Coding change: c.34C>G on transcript NM_002354.3 (MANE Select); coding-DNA position 34, C replaced by G.
Protein change: p.Leu12Val; replaces leucine 12 with valine.
Molecular consequence: missense variant.
Genome position (GRCh38, 1-based): chr2:47,369,539, C>G. VCF-style: chr2-47369539-C-G. GRCh37 (hg19) VCF-style: chr2-47596678-C-G.
Other names: short protein forms L12V.
Identifiers: ClinVar variation 1732045 (VCV001732045.2), dbSNP rs746990000, ClinGen allele CA1648807.